The following is an entry in ClinVar:

ClinVar aggregate classification (germline): Uncertain significance (1 of 4 stars; one submission).

Conditions:
Hypertrophic cardiomyopathy. Also called: HYPERTROPHIC MYOCARDIOPATHY. Identifiers: Orphanet 217569, MedGen C0007194, MeSH D002312, MONDO:0005045, HP:0001639.

gnomAD v4.1: 5 of 1,614,156 alleles (0.00031%); highest among the groups gnomAD compares: Non-Finnish European, 0.00042%; no homozygotes.

Submission:

Labcorp Genetics (formerly Invitae), Labcorp
Classification: Uncertain significance for Hypertrophic cardiomyopathy. Last evaluated: 2025-03-27. Review status: criteria provided, single submitter. Criteria: Invitae Variant Classification Sherloc (09022015). Collection method: clinical testing. Allele origin: germline.
Comment: This sequence change replaces glutamic acid, which is acidic and polar, with lysine, which is basic and polar, at codon 30 of the MYL3 protein (p.Glu30Lys). This variant is not present in population databases (gnomAD no frequency). This variant has not been reported in the literature in individuals affected with MYL3-related conditions. Experimental studies and prediction algorithms are not available or were not evaluated, and the functional significance of this variant is currently unknown. In summary, the available evidence is currently insufficient to determine the role of this variant in disease. Therefore, it has been classified as a Variant of Uncertain Significance.

NM_000258.3(MYL3):c.88G>A (p.Glu30Lys)

Gene: MYL3 (myosin light chain 3; minus strand). Cytogenetic location: 3p21.31.
Variant type: single nucleotide variant.
Coding change: c.88G>A on transcript NM_000258.3 (MANE Select); coding-DNA position 88, G replaced by A.
Protein change: p.Glu30Lys; replaces glutamic acid 30 with lysine.
Molecular consequence: missense variant.
Genome position (GRCh38, 1-based): chr3:46,863,303, C>T on the plus strand (G>A on the coding strand, the complement: MYL3 is on the minus strand). VCF-style: chr3-46863303-C-T. GRCh37 (hg19) VCF-style: chr3-46904793-C-T.
Other names: c.88G>A, p.Glu30Lys (NM_001406937.1, NM_001406938.1, NM_001406939.1); short protein forms E30K.
Identifiers: ClinVar variation 4737138 (VCV004737138.1).